The following is an entry in ClinVar:

ClinVar aggregate classification (germline): Uncertain significance (1 of 4 stars; one submission).

Conditions:
Hereditary cancer-predisposing syndrome. Also called: Tumor predisposition; Hereditary Cancer Syndrome; Hereditary neoplastic syndrome; Neoplastic Syndromes, Hereditary. Identifiers: Orphanet 140162, MedGen C0027672, MeSH D009386, MONDO:0015356.

Submission:

Ambry Genetics
Classification: Uncertain significance for Hereditary cancer-predisposing syndrome. Last evaluated: 2024-05-22. Review status: criteria provided, single submitter. Criteria: Ambry Variant Classification Scheme 2023. Collection method: clinical testing. Allele origin: germline.
Comment: The p.F44C variant (also known as c.131T>G), located in coding exon 1 of the FANCC gene, results from a T to G substitution at nucleotide position 131. The phenylalanine at codon 44 is replaced by cysteine, an amino acid with highly dissimilar properties. This amino acid position is conserved. In addition, this alteration is predicted to be deleterious by in silico analysis. Based on the available evidence, the clinical significance of this variant remains unclear.

NM_000136.3(FANCC):c.131T>G (p.Phe44Cys)

Gene: FANCC (FA complementation group C; minus strand). Cytogenetic location: 9q22.32.
Variant type: single nucleotide variant.
Coding change: c.131T>G on transcript NM_000136.3 (MANE Select); coding-DNA position 131, T replaced by G.
Protein change: p.Phe44Cys; replaces phenylalanine 44 with cysteine.
Molecular consequence: missense variant.
Genome position (GRCh38, 1-based): chr9:95,249,161, A>C on the plus strand (T>G on the coding strand, the complement: FANCC is on the minus strand). VCF-style: chr9-95249161-A-C. GRCh37 (hg19) VCF-style: chr9-98011443-A-C.
Other names: c.131T>G, p.Phe44Cys (NM_001243743.2, NM_001243744.2); short protein forms F44C.
Identifiers: ClinVar variation 3277644 (VCV003277644.1).